The following is an entry in ClinVar:

NM_001122769.3(LCA5):c.1433T>C (p.Leu478Pro)

Gene: LCA5 (lebercilin LCA5; minus strand). Cytogenetic location: 6q14.1.
Variant type: single nucleotide variant.
Coding change: c.1433T>C on transcript NM_001122769.3 (MANE Select); coding-DNA position 1433, T replaced by C.
Protein change: p.Leu478Pro; replaces leucine 478 with proline.
Molecular consequence: missense variant.
Genome position (GRCh38, 1-based): chr6:79,487,665, A>G on the plus strand (T>C on the coding strand, the complement: LCA5 is on the minus strand). VCF-style: chr6-79487665-A-G. GRCh37 (hg19) VCF-style: chr6-80197382-A-G.
Other names: c.1433T>C (NM_181714.3); c.1433T>C, p.Leu478Pro (NM_181714.4); short protein forms L478P.
Identifiers: ClinVar variation 1989300 (VCV001989300.5), dbSNP rs1440875846, ClinGen allele CA364640843.

ClinVar aggregate classification (germline): Uncertain significance. Review status: criteria provided, single submitter (1 of 4 stars). 2 submissions from 2 submitters: Uncertain significance (1). 1 of the submissions does not count toward it. Last evaluated 2024-01-19.

Conditions:
Leber congenital amaurosis 5 (LCA5). Also called: Amaurosis congenita of Leber, type 5. Identifiers: Orphanet 65, MedGen C1858301, MONDO:0011473, OMIM 604537.

gnomAD v4.1: 42 of 1,613,728 alleles (0.0026%); highest among the groups gnomAD compares: Non-Finnish European, 0.0036%; no homozygotes.

Submissions (2):

Labcorp Genetics (formerly Invitae), Labcorp
Classification: Uncertain significance. Last evaluated: 2024-01-19. Review status: criteria provided, single submitter. Criteria: Invitae Variant Classification Sherloc (09022015). Collection method: clinical testing. Allele origin: germline.
Comment: This sequence change replaces leucine, which is neutral and non-polar, with proline, which is neutral and non-polar, at codon 478 of the LCA5 protein (p.Leu478Pro). This variant is present in population databases (no rsID available, gnomAD 0.003%). This variant has not been reported in the literature in individuals affected with LCA5-related conditions. ClinVar contains an entry for this variant (Variation ID: 1989300). Advanced modeling of protein sequence and biophysical properties (such as structural, functional, and spatial information, amino acid conservation, physicochemical variation, residue mobility, and thermodynamic stability) performed at Invitae indicates that this missense variant is not expected to disrupt LCA5 protein function with a negative predictive value of 80%. In summary, the available evidence is currently insufficient to determine the role of this variant in disease. Therefore, it has been classified as a Variant of Uncertain Significance.

Natera, Inc.
Classification: Uncertain significance for Leber congenital amaurosis type 5. Last evaluated: 2025-05-02. Review status: no assertion criteria provided. Collection method: clinical testing. Allele origin: germline. Not counted in ClinVar's aggregate classification.